The following is an entry in ClinVar:

NM_015346.4(ZFYVE26):c.5932A>G (p.Ile1978Val)

Gene: ZFYVE26 (zinc finger FYVE-type containing 26; minus strand). Cytogenetic location: 14q24.1.
Variant type: single nucleotide variant.
Coding change: c.5932A>G on transcript NM_015346.4 (MANE Select); coding-DNA position 5932, A replaced by G.
Protein change: p.Ile1978Val; replaces isoleucine 1978 with valine.
Molecular consequence: missense variant.
Genome position (GRCh38, 1-based): chr14:67,766,306, T>C on the plus strand (A>G on the coding strand, the complement: ZFYVE26 is on the minus strand). VCF-style: chr14-67766306-T-C. GRCh37 (hg19) VCF-style: chr14-68233023-T-C.
Other names: short protein forms I1978V.
Identifiers: ClinVar variation 2077791 (VCV002077791.3), dbSNP rs756556433, ClinGen allele CA7239355.

ClinVar aggregate classification (germline): Uncertain significance. Review status: criteria provided, multiple submitters, no conflicts (2 of 4 stars). 3 submissions from 3 submitters: Uncertain significance (3). Last evaluated 2024-10-22.

Conditions:
Spastic paraplegia. Identifiers: MedGen C0037772, HP:0001258.

Allele frequency attached by ClinVar (database versions not stated): ExAC 0.00001; gnomAD 0.00001; TOPMed 0.00001; gnomAD exomes 0.00003.
gnomAD v4.1: 39 of 1,613,686 alleles (0.0024%); highest among the groups gnomAD compares: Non-Finnish European, 0.0032%; no homozygotes.

Submissions (3):

Blueprint Genetics
Classification: Uncertain significance. Last evaluated: 2024-10-22. Review status: criteria provided, single submitter. Criteria: ACMG Guidelines, 2015. Collection method: clinical testing. Allele origin: germline.

Women's Health and Genetics/Laboratory Corporation of America, LabCorp
Classification: Uncertain significance. Last evaluated: 2024-09-24. Review status: criteria provided, single submitter. Criteria: LabCorp Variant Classification Summary - May 2015. Collection method: clinical testing. Allele origin: germline.
Comment: Variant summary: ZFYVE26 c.5932A>G (p.Ile1978Val) results in a conservative amino acid change in the encoded protein sequence. Four of five in-silico tools predict a benign effect of the variant on protein function. The variant allele was found at a frequency of 2.4e-05 in 251266 control chromosomes (gnomAD). The available data on variant occurrences in the general population are insufficient to allow any conclusion about variant significance. To our knowledge, no occurrence of c.5932A>G in individuals affected with Hereditary Spastic Paraplegia 15 and no experimental evidence demonstrating its impact on protein function have been reported. ClinVar contains an entry for this variant (Variation ID: 2077791). Based on the evidence outlined above, the variant was classified as uncertain significance.

Labcorp Genetics (formerly Invitae), Labcorp
Classification: Uncertain significance for Spastic paraplegia. Last evaluated: 2021-09-15. Review status: criteria provided, single submitter. Criteria: Invitae Variant Classification Sherloc (09022015). Collection method: clinical testing. Allele origin: germline.
Comment: This sequence change replaces isoleucine with valine at codon 1978 of the ZFYVE26 protein (p.Ile1978Val). The isoleucine residue is moderately conserved and there is a small physicochemical difference between isoleucine and valine. This variant is present in population databases (rs756556433, ExAC 0.001%). This variant has not been reported in the literature in individuals affected with ZFYVE26-related conditions. Algorithms developed to predict the effect of missense changes on protein structure and function are either unavailable or do not agree on the potential impact of this missense change (SIFT: "Tolerated"; PolyPhen-2: "Possibly Damaging"; Align-GVGD: "Class C0"). In summary, the available evidence is currently insufficient to determine the role of this variant in disease. Therefore, it has been classified as a Variant of Uncertain Significance.